The following is an entry in ClinVar:

NM_004341.5(CAD):c.4520G>A (p.Arg1507Gln)

Gene: CAD (carbamoyl-phosphate synthetase 2, aspartate transcarbamylase, and dihydroorotase; plus strand). Cytogenetic location: 2p23.3.
Variant type: single nucleotide variant.
Coding change: c.4520G>A on transcript NM_004341.5 (MANE Select); coding-DNA position 4520, G replaced by A.
Protein change: p.Arg1507Gln; replaces arginine 1507 with glutamine.
Molecular consequence: missense variant.
Genome position (GRCh38, 1-based): chr2:27,237,502, G>A. VCF-style: chr2-27237502-G-A. GRCh37 (hg19) VCF-style: chr2-27460370-G-A.
Other names: c.4331G>A, p.Arg1444Gln (NM_001306079.2); short protein forms R1444Q, R1507Q.
Identifiers: ClinVar variation 1414369 (VCV001414369.3), dbSNP rs368492472, ClinGen allele CA1573546.

ClinVar aggregate classification (germline): Uncertain significance (1 of 4 stars; one submission).

Allele frequency attached by ClinVar (database versions not stated): gnomAD exomes 0.00002; ExAC 0.00003; gnomAD 0.00004; TOPMed 0.00005; ESP Exome Variant Server 0.00008.
gnomAD v4.1: 18 of 1,613,918 alleles (0.0011%); highest among the groups gnomAD compares: African/African-American, 0.011%; no homozygotes.

Submission:

Labcorp Genetics (formerly Invitae), Labcorp
Classification: Uncertain significance. Last evaluated: 2021-07-30. Review status: criteria provided, single submitter. Criteria: Invitae Variant Classification Sherloc (09022015). Collection method: clinical testing. Allele origin: germline.
Comment: This sequence change replaces arginine with glutamine at codon 1507 of the CAD protein (p.Arg1507Gln). The arginine residue is weakly conserved and there is a small physicochemical difference between arginine and glutamine. This variant is present in population databases (rs368492472, ExAC 0.01%). This variant has not been reported in the literature in individuals affected with CAD-related conditions. Algorithms developed to predict the effect of missense changes on protein structure and function (SIFT, PolyPhen-2, Align-GVGD) all suggest that this variant is likely to be tolerated. Algorithms developed to predict the effect of sequence changes on RNA splicing suggest that this variant may create or strengthen a splice site. In summary, the available evidence is currently insufficient to determine the role of this variant in disease. Therefore, it has been classified as a Variant of Uncertain Significance.